The following is an entry in ClinVar:

NM_001394062.1(MACF1):c.4738A>G (p.Ile1580Val)

Gene: MACF1 (microtubule actin crosslinking factor 1; plus strand). Cytogenetic location: 1p34.3.
Variant type: single nucleotide variant.
Coding change: c.4738A>G on transcript NM_001394062.1 (MANE Select); coding-DNA position 4738, A replaced by G.
Protein change: p.Ile1580Val; replaces isoleucine 1580 with valine.
Molecular consequence: missense variant. On other transcripts: intron variant (1).
Genome position (GRCh38, 1-based): chr1:39,331,326, A>G. VCF-style: chr1-39331326-A-G. GRCh37 (hg19) VCF-style: chr1-39796998-A-G.
Other names: c.4629+3973A>G (NM_012090.5); short protein forms I1580V.
Identifiers: ClinVar variation 4280898 (VCV004280898.7).
Genomic context (GRCh38, chr1:39,331,326, plus strand): 5'-GCCATGCAAAAGGGCCTCCTTGACCAAGACACAGGCCTAGTGCTTCTGGAATCTCAGGTT[A>G]TCATGTCTGGCCTCATTGCCCCTGAGACGGGTGAAAACCTCTCTTTGGAGGAGGGCATAG-3'
Protein context (NP_001380991.1, residues 1570-1590): TGLVLLESQV[Ile1580Val]MSGLIAPETG

ClinVar aggregate classification (germline): Likely benign (1 of 4 stars; one submission).

gnomAD v4.1: 2 of 1,613,792 alleles (0.00012%); highest among the groups gnomAD compares: African/African-American, 0.0013%; no homozygotes.

Submission:

CeGaT Center for Human Genetics Tuebingen
Classification: Likely benign. Last evaluated: 2025-09-01. Review status: criteria provided, single submitter. Criteria: CeGaT Center For Human Genetics Tuebingen Variant Classification Criteria Version 2. Collection method: clinical testing. Allele origin: germline. Affected: yes. Observed: 1 variant allele.
Comment: MACF1: BP4